The following is an entry in ClinVar:

ClinVar aggregate classification (germline): Pathogenic (1 of 4 stars; one submission).

Conditions:
Congenital hyperammonemia, type I. Also called: Carbamoyl phosphate synthetase 1 deficiency; Hyperammonemia due to carbamoyl phosphate synthetase 1 deficiency; CPS 1 deficiency; Carbamyl phosphate synthetase (CPS) deficiency; CPS I DEFICIENCY; Carbamoyl phosphate synthetase I deficiency disease. Identifiers: Orphanet 147, MedGen C4082171, MONDO:0009376, OMIM 237300.

Submission:

Labcorp Genetics (formerly Invitae), Labcorp
Classification: Pathogenic for Congenital hyperammonemia, type I. Last evaluated: 2023-02-22. Review status: criteria provided, single submitter. Criteria: Invitae Variant Classification Sherloc (09022015). Collection method: clinical testing. Allele origin: unknown.
Comment: A gross deletion of the genomic region encompassing the full coding sequence of the CPS1 gene has been identified. Loss-of-function variants in CPS1 are known to be pathogenic (PMID: 21120950). The boundaries of this event are unknown as they extend beyond the assayed region for this gene and therefore may encompass additional genes. This variant has not been reported in the literature in individuals affected with CPS1-related conditions. For these reasons, this variant has been classified as Pathogenic.

Literature cited by the submitters: PubMed 21120950.

NC_000002.11:g.(?_211421458)_(211542709_?)del

Gene: CPS1 (carbamoyl-phosphate synthase 1; plus strand). Cytogenetic location: 2q34.
Variant type: Deletion.
Identifiers: ClinVar variation 3247425 (VCV003247425.1).